The following is an entry in ClinVar:

NM_014915.3(ANKRD26):c.-4G>A

Genes: ANKRD26 (ankyrin repeat domain 26; minus strand), LOC130003554 (ATAC-STARR-seq lymphoblastoid silent region 2243; plus strand). Cytogenetic location: 10p12.1.
Variant type: single nucleotide variant.
Coding change: c.-4G>A on transcript NM_014915.3 (MANE Select); 4 bases upstream of the start codon, G replaced by A.
Molecular consequence: 5 prime UTR variant.
Genome position (GRCh38, 1-based): chr10:27,100,330, C>T on the plus strand (G>A on the coding strand, the complement: ANKRD26 is on the minus strand). VCF-style: chr10-27100330-C-T. GRCh37 (hg19) VCF-style: chr10-27389259-C-T.
Other names: c.-4G>A (NM_001256053.2).
Identifiers: ClinVar variation 299767 (VCV000299767.9), dbSNP rs779013762, ClinGen allele CA5449099.
Genomic context (GRCh38, chr10:27,100,330, plus strand): 5'-CCGCCGCGCGAAGGAGCCCAAGGGCGACTCGCCCTTCTTACTAAAAATCTTCTTCATGGC[C>T]CAGGCGACCGGGCTTCAGAGACACCTCATGTCTCTCTCGGCTCTTAACGGCCTCCGGAGC-3'

ClinVar aggregate classification (germline): Uncertain significance. Review status: criteria provided, multiple submitters, no conflicts (2 of 4 stars). 2 submissions from 2 submitters: Uncertain significance (2). Last evaluated 2025-11-19.

Conditions:
Thrombocytopenia 2 (THC2). Also called: ANKRD26-Related Thrombocytopenia. Identifiers: Orphanet 268322, MedGen C1861185, MONDO:0008555, OMIM 188000.

Allele frequency attached by ClinVar (database versions not stated): gnomAD exomes below 0.00001 and 0.00001; ExAC 0.00001; gnomAD 0.00001; TOPMed 0.00002.
gnomAD v4.1: 8 of 1,606,426 alleles (0.0005%); highest among the groups gnomAD compares: Non-Finnish European, 0.00051%; no homozygotes.

Submissions (2):

Labcorp Genetics (formerly Invitae), Labcorp
Classification: Uncertain significance. Last evaluated: 2025-11-19. Review status: criteria provided, single submitter. Criteria: Invitae Variant Classification Sherloc (09022015). Collection method: clinical testing. Allele origin: germline.
Comment: This variant occurs in a non-coding region of the ANKRD26 gene. It does not change the encoded amino acid sequence of the ANKRD26 protein. This variant is present in population databases (rs779013762, gnomAD 0.002%). This variant has not been reported in the literature in individuals affected with ANKRD26-related conditions. ClinVar contains an entry for this variant (Variation ID: 299767). In summary, the available evidence is currently insufficient to determine the role of this variant in disease. Therefore, it has been classified as a Variant of Uncertain Significance.

Illumina Laboratory Services, Illumina
Classification: Uncertain significance for Thrombocytopenia 2. Last evaluated: 2018-01-13. Review status: criteria provided, single submitter. Criteria: ICSL Variant Classification Criteria 13 December 2019. Collection method: clinical testing. Allele origin: germline.